The following is an entry in ClinVar:

NM_001972.4(ELANE):c.643A>G (p.Ile215Val)

Gene: ELANE (elastase, neutrophil expressed; plus strand). Cytogenetic location: 19p13.3.
Variant type: single nucleotide variant.
Coding change: c.643A>G on transcript NM_001972.4 (MANE Select); coding-DNA position 643, A replaced by G.
Protein change: p.Ile215Val; replaces isoleucine 215 with valine.
Molecular consequence: missense variant.
Genome position (GRCh38, 1-based): chr19:856,003, A>G. VCF-style: chr19-856003-A-G. GRCh37 (hg19) VCF-style: chr19-856003-A-G.
Other names: short protein forms I215V.
Identifiers: ClinVar variation 4824013 (VCV004824013.1).

ClinVar aggregate classification (germline): Uncertain significance (1 of 4 stars; one submission).

Conditions:
Inborn genetic diseases. Identifiers: MedGen C0950123, MeSH D030342.

Submission:

Ambry Genetics
Classification: Uncertain significance for Inborn genetic diseases. Last evaluated: 2026-02-14. Review status: criteria provided, single submitter. Criteria: Ambry Variant Classification Scheme 2023. Collection method: clinical testing. Allele origin: germline.
Comment: The p.I215V variant (also known as c.643A>G), located in coding exon 5 of the ELANE gene, results from an A to G substitution at nucleotide position 643. The isoleucine at codon 215 is replaced by valine, an amino acid with highly similar properties. This amino acid position is conserved. In addition, this alteration is predicted to be tolerated by in silico analysis. Based on the available evidence, the clinical significance of this variant remains unclear.